The following is an entry in ClinVar:

NM_006852.6(TLK2):c.448A>T (p.Met150Leu)

Gene: TLK2 (tousled like kinase 2; plus strand). Cytogenetic location: 17q23.2.
Variant type: single nucleotide variant.
Coding change: c.448A>T on transcript NM_006852.6 (MANE Select); coding-DNA position 448, A replaced by T.
Protein change: p.Met150Leu; replaces methionine 150 with leucine.
Molecular consequence: missense variant. On other transcripts: initiator codon variant (2).
Genome position (GRCh38, 1-based): chr17:62,536,254, A>T. VCF-style: chr17-62536254-A-T. GRCh37 (hg19) VCF-style: chr17-60613615-A-T.
Other names: c.448A>T, p.Met150Leu (NM_001284333.3, NM_001375270.1, NM_001375271.1); c.352A>T, p.Met118Leu (NM_001284363.1, NM_001375272.1, NM_001411074.1); c.1A>T, p.Met1Leu (NM_001330418.3, NM_001375273.1); c.490A>T, p.Met164Leu (NM_001375269.1); short protein forms M118L, M150L, M164L, M1L.
Identifiers: ClinVar variation 2571873 (VCV002571873.2), dbSNP rs1474266417, ClinGen allele CA400517871.
Genomic context (GRCh38, chr17:62,536,254, plus strand): 5'-GGTTTAGATGGCAGTGCTGCAAAGGAGGCAACGGAGGAGCAGTCTGCTCTGCCAACCCTC[A>T]TGTCAGTGATGCTAGCAAAACCTCGGCTTGACACAGAGCAGCTGGCGCAAAGGGGAGCTG-3'
Protein context (NP_006843.2, residues 140-160): TEEQSALPTL[Met150Leu]SVMLAKPRLD

ClinVar aggregate classification (germline): Uncertain significance (1 of 4 stars; one submission).

Submission:

GeneDx
Classification: Uncertain significance. Last evaluated: 2023-01-06. Review status: criteria provided, single submitter. Criteria: GeneDx Variant Classification Process June 2021. Collection method: clinical testing. Allele origin: germline. Affected: yes.
Comment: Not observed at significant frequency in large population cohorts (gnomAD); In silico analysis supports that this missense variant does not alter protein structure/function; Has not been previously published as pathogenic or benign to our knowledge